The following is an entry in ClinVar:

NM_001378454.1(ALMS1):c.679C>T (p.Pro227Ser)

Gene: ALMS1 (ALMS1 centrosome and basal body associated protein; plus strand). Cytogenetic location: 2p13.1.
Variant type: single nucleotide variant.
Coding change: c.679C>T on transcript NM_001378454.1 (MANE Select); coding-DNA position 679, C replaced by T.
Protein change: p.Pro227Ser; replaces proline 227 with serine.
Molecular consequence: missense variant.
Genome position (GRCh38, 1-based): chr2:73,422,889, C>T. VCF-style: chr2-73422889-C-T. GRCh37 (hg19) VCF-style: chr2-73650017-C-T.
Other names: c.682C>T, p.Pro228Ser (NM_015120.4); short protein forms P227S, P228S.
Identifiers: ClinVar variation 843048 (VCV000843048.6), dbSNP rs756201461, ClinGen allele CA1712932.
Genomic context (GRCh38, chr2:73,422,889, plus strand): 5'-CCAGCATTTAATATTTGAAACTTTACAGTCATACAAGATAGCTTTGCTTCTCCTGATTTG[C>T]CTTTGCTGACCTGTTTGACACAAGACCAAGAATTTGCGCCTGATTCTTTATTTCATCAAA-3'
Protein context (NP_001365383.1, residues 217-237): IQDSFASPDL[Pro227Ser]LLTCLTQDQE

ClinVar aggregate classification (germline): Uncertain significance. Review status: criteria provided, multiple submitters, no conflicts (2 of 4 stars). 3 submissions from 3 submitters: Uncertain significance (2). 1 of the submissions does not count toward it. Last evaluated 2024-01-03.

Conditions:
Cardiovascular phenotype. Identifiers: MedGen CN230736.
Alstrom syndrome (ALMS). Identifiers: Orphanet 64, MedGen C0268425, MONDO:0008763, OMIM 203800.

Allele frequency attached by ClinVar (database versions not stated): ExAC 0.00001; gnomAD exomes 0.00001; gnomAD 0.00002 and 0.00003; TOPMed 0.00002.

Submissions (3):

Ambry Genetics
Classification: Uncertain significance for Cardiovascular phenotype. Last evaluated: 2024-01-03. Review status: criteria provided, single submitter. Criteria: Ambry Variant Classification Scheme 2023. Collection method: clinical testing. Allele origin: germline.
Comment: The p.P228S variant (also known as c.682C>T), located in coding exon 4 of the ALMS1 gene, results from a C to T substitution at nucleotide position 682. The proline at codon 228 is replaced by serine, an amino acid with similar properties. This amino acid position is highly conserved in available vertebrate species. In addition, this alteration is predicted to be deleterious by in silico analysis. Since supporting evidence is limited at this time, the clinical significance of this alteration remains unclear.

Labcorp Genetics (formerly Invitae), Labcorp
Classification: Uncertain significance for Alstrom syndrome. Last evaluated: 2022-07-19. Review status: criteria provided, single submitter. Criteria: Invitae Variant Classification Sherloc (09022015). Collection method: clinical testing. Allele origin: germline.
Comment: This sequence change replaces proline, which is neutral and non-polar, with serine, which is neutral and polar, at codon 228 of the ALMS1 protein (p.Pro228Ser). This variant is present in population databases (rs756201461, gnomAD 0.003%). This variant has not been reported in the literature in individuals affected with ALMS1-related conditions. ClinVar contains an entry for this variant (Variation ID: 843048). In summary, the available evidence is currently insufficient to determine the role of this variant in disease. Therefore, it has been classified as a Variant of Uncertain Significance.

Natera, Inc.
Classification: Uncertain significance for Alstrom syndrome. Last evaluated: 2020-01-24. Review status: no assertion criteria provided. Collection method: clinical testing. Allele origin: germline. Not counted in ClinVar's aggregate classification.